The following is an entry in ClinVar:

NM_001042492.3(NF1):c.872A>C (p.Glu291Ala)

Gene: NF1 (neurofibromin 1; plus strand). Cytogenetic location: 17q11.2.
Variant type: single nucleotide variant.
Coding change: c.872A>C on transcript NM_001042492.3 (MANE Select); coding-DNA position 872, A replaced by C.
Protein change: p.Glu291Ala; replaces glutamic acid 291 with alanine.
Molecular consequence: missense variant.
Genome position (GRCh38, 1-based): chr17:31,182,649, A>C. VCF-style: chr17-31182649-A-C. GRCh37 (hg19) VCF-style: chr17-29509667-A-C.
Other names: c.872A>C, p.Glu291Ala (NM_000267.4, NM_001128147.3); short protein forms E291A.
Identifiers: ClinVar variation 233074 (VCV000233074.18), dbSNP rs876660171, ClinGen allele CA10580203.

ClinVar aggregate classification (germline): Conflicting classifications of pathogenicity. Review status: criteria provided, conflicting classifications (1 of 4 stars). 5 submissions from 4 submitters: Uncertain significance (4); Benign (1). Last evaluated 2025-10-01.

Conditions:
Café-au-lait macules with pulmonary stenosis (WTSN). Also called: PULMONIC STENOSIS WITH CAFE-AU-LAIT SPOTS. Identifiers: MedGen C0553586, MONDO:0008672, OMIM 193520.
Neurofibromatosis-Noonan syndrome (NFNS). Also called: NEUROFIBROMATOSIS WITH NOONAN PHENOTYPE. Identifiers: Orphanet 638, MedGen C2931482, MONDO:0011035, OMIM 601321. Disease mechanism: loss of function.
Neurofibromatosis, type 1 (NF1). Also called: Neurofibromatosis, type I; VON RECKLINGHAUSEN DISEASE; NEUROFIBROMATOSIS, TYPE I, SOMATIC; Peripheral type neurofibromatosis. Identifiers: Orphanet 636, MedGen C0027831, MONDO:0018975, OMIM 162200. Disease mechanism: loss of function.
Cardiovascular phenotype. Identifiers: MedGen CN230736.
Hereditary cancer-predisposing syndrome. Also called: Hereditary Cancer Syndrome; Neoplastic Syndromes, Hereditary; Tumor predisposition; Hereditary neoplastic syndrome. Identifiers: Orphanet 140162, MedGen C0027672, MeSH D009386, MONDO:0015356.

Allele frequency attached by ClinVar (database versions not stated): gnomAD exomes below 0.00001 and 0.00001.
gnomAD v4.1: 5 of 1,613,592 alleles (0.00031%); highest among the groups gnomAD compares: Non-Finnish European, 0.00042%; no homozygotes.

Submissions (5):

Labcorp Genetics (formerly Invitae), Labcorp
Classification: Benign for Neurofibromatosis, type 1. Last evaluated: 2025-10-01. Review status: criteria provided, single submitter. Criteria: Invitae Variant Classification Sherloc (09022015). Collection method: clinical testing. Allele origin: germline.

Genome-Nilou Lab
Classification: Uncertain significance for Neurofibromatosis, type 1. Last evaluated: 2022-03-15. Review status: criteria provided, single submitter. Criteria: ACMG Guidelines, 2015. Collection method: clinical testing. Allele origin: germline. Affected: no.

Ambry Genetics
Classification: Uncertain significance for Cardiovascular phenotype; Hereditary cancer-predisposing syndrome. Last evaluated: 2021-09-29. Review status: criteria provided, single submitter. Criteria: Ambry Variant Classification Scheme 2023. Collection method: clinical testing. Allele origin: germline.

GeneDx
Classification: Uncertain significance. Last evaluated: 2016-06-27. Review status: criteria provided, single submitter. Criteria: GeneDx Variant Classification (06012015). Collection method: clinical testing. Allele origin: germline. Affected: yes.
Comment: This variant is denoted NF1 c.872A>C at the cDNA level, p.Glu291Ala (E291A) at the protein level, and results in the change of a Glutamic Acid to an Alanine (GAA>GCA). This variant has not, to our knowledge, been published in the literature as pathogenic or benign. NF1 Glu291Ala was not observed in approximately 6,500 individuals of European and African American ancestry in the NHLBI Exome Sequencing Project, suggesting it is not a common benign variant in these populations. Since Glutamic Acid and Alanine differ in polarity, charge, size or other properties, this is considered a non-conservative amino acid substitution. NF1 Glu291Ala occurs at a position that is conserved across species and is not located in a known functional domain (UniProt). In silico analyses are inconsistent regarding the effect this variant may have on protein structure and function. Based on currently available evidence, it is unclear whether NF1 Glu291Ala is a pathogenic or benign variant. We consider it to be a variant of uncertain significance.

Ambry Genetics
Classification: Uncertain significance for Hereditary cancer-predisposing syndrome. Last evaluated: 2015-07-21. Review status: criteria provided, single submitter. Criteria: Ambry Autosomal Dominant and X-Linked criteria (10/2015). Collection method: clinical testing. Allele origin: germline. Observed: 1 variant allele.
Comment: The p.E291A variant (also known as c.872A>C), located in coding exon 8 of the NF1 gene, results from an A to C substitution at nucleotide position 872. The glutamic acid at codon 291 is replaced by alanine, an amino acid with dissimilar properties. This variant was not reported in population based cohorts in the following databases: Database of Single Nucleotide Polymorphisms (dbSNP), NHLBI Exome Sequencing Project (ESP), and 1000 Genomes Project. In the ESP, this variant was not observed in 6502 samples (13004 alleles) with coverage at this position. To date, this alteration has been detected with an allele frequency of approximately 0.002% (greater than 55000alleles tested) in our clinical cohort.This amino acid position is highly conserved in available vertebrate species. However, this alteration is predicted to be benign and tolerated by PolyPhen and SIFT in silico analyses, respectively.Since supporting evidence is limited at this time, the clinical significance of p.E291A remains unclear.